The following is an entry in ClinVar:

NM_006939.4(SOS2):c.3043G>A (p.Glu1015Lys)

Gene: SOS2 (SOS Ras/Rho guanine nucleotide exchange factor 2; minus strand). Cytogenetic location: 14q21.3.
Variant type: single nucleotide variant.
Coding change: c.3043G>A on transcript NM_006939.4 (MANE Select); coding-DNA position 3043, G replaced by A.
Protein change: p.Glu1015Lys; replaces glutamic acid 1015 with lysine.
Molecular consequence: missense variant.
Genome position (GRCh38, 1-based): chr14:50,134,155, C>T on the plus strand (G>A on the coding strand, the complement: SOS2 is on the minus strand). VCF-style: chr14-50134155-C-T. GRCh37 (hg19) VCF-style: chr14-50600873-C-T.
Other names: short protein forms E1015K.
Identifiers: ClinVar variation 1700843 (VCV001700843.2), dbSNP rs2139528697, ClinGen allele CA389641611.

ClinVar aggregate classification (germline): Uncertain significance (1 of 4 stars; one submission).

Submission:

GeneDx
Classification: Uncertain significance. Last evaluated: 2022-02-10. Review status: criteria provided, single submitter. Criteria: GeneDx Variant Classification Process June 2021. Collection method: clinical testing. Allele origin: germline. Affected: yes.
Comment: Not observed at significant frequency in large population cohorts (gnomAD); In silico analysis supports that this missense variant has a deleterious effect on protein structure/function; Has not been previously published as pathogenic or benign to our knowledge